The following is an entry in ClinVar:

NM_020884.7(MYH7B):c.5375C>T (p.Thr1792Met)

Gene: MYH7B (myosin heavy chain 7B; plus strand). Cytogenetic location: 20q11.22.
Variant type: single nucleotide variant.
Coding change: c.5375C>T on transcript NM_020884.7 (MANE Select); coding-DNA position 5375, C replaced by T.
Protein change: p.Thr1792Met; replaces threonine 1792 with methionine.
Molecular consequence: missense variant.
Genome position (GRCh38, 1-based): chr20:35,001,058, C>T. VCF-style: chr20-35001058-C-T. GRCh37 (hg19) VCF-style: chr20-33588861-C-T.
Other names: short protein forms T1792M.
Identifiers: ClinVar variation 2721231 (VCV002721231.3), dbSNP rs757183962, ClinGen allele CA9828532.

ClinVar aggregate classification (germline): Uncertain significance (1 of 4 stars; one submission).

Allele frequency attached by ClinVar (database versions not stated): ExAC 0.00001; gnomAD 0.00001; TOPMed 0.00001; gnomAD exomes 0.00002.
gnomAD v4.1: 29 of 1,613,710 alleles (0.0018%); highest among the groups gnomAD compares: South Asian, 0.0022%; no homozygotes.

Submission:

Labcorp Genetics (formerly Invitae), Labcorp
Classification: Uncertain significance. Last evaluated: 2023-10-23. Review status: criteria provided, single submitter. Criteria: Invitae Variant Classification Sherloc (09022015). Collection method: clinical testing. Allele origin: germline.
Comment: This sequence change replaces threonine, which is neutral and polar, with methionine, which is neutral and non-polar, at codon 1834 of the MYH7B protein (p.Thr1834Met). This variant is not present in population databases (gnomAD no frequency). This variant has not been reported in the literature in individuals affected with MYH7B-related conditions. Advanced modeling of protein sequence and biophysical properties (such as structural, functional, and spatial information, amino acid conservation, physicochemical variation, residue mobility, and thermodynamic stability) performed at Invitae indicates that this missense variant is expected to disrupt MYH7B protein function with a positive predictive value of 80%. In summary, the available evidence is currently insufficient to determine the role of this variant in disease. Therefore, it has been classified as a Variant of Uncertain Significance.